The following is an entry in ClinVar:

NM_032119.4(ADGRV1):c.17345A>T (p.Asp5782Val)

Gene: ADGRV1 (adhesion G protein-coupled receptor V1; plus strand). Cytogenetic location: 5q14.3.
Variant type: single nucleotide variant.
Coding change: c.17345A>T on transcript NM_032119.4 (MANE Select); coding-DNA position 17345, A replaced by T.
Protein change: p.Asp5782Val; replaces aspartic acid 5782 with valine.
Molecular consequence: missense variant. On other transcripts: non-coding transcript variant (1).
Genome position (GRCh38, 1-based): chr5:90,853,424, A>T. VCF-style: chr5-90853424-A-T. GRCh37 (hg19) VCF-style: chr5-90149241-A-T.
Other names: short protein forms D5782V.
Identifiers: ClinVar variation 2058525 (VCV002058525.3), dbSNP rs2532542502, ClinGen allele CA360430152.
Genomic context (GRCh38, chr5:90,853,424, plus strand): 5'-AGTTTGAAGGAAAGGAAGGAGATTACATTCGAATTCCAGAGAGGCTACTGGATGTCCAGG[A>T]TGCAGAAATAATGGCTGGGAAAAGTACATGTAAATTAGTCCAGTTTACAGAGTATAGCAG-3'
Protein context (NP_115495.3, residues 5772-5792): RIPERLLDVQ[Asp5782Val]AEIMAGKSTC

ClinVar aggregate classification (germline): Uncertain significance (1 of 4 stars; one submission).

Allele frequency attached by ClinVar (database versions not stated): gnomAD exomes below 0.00001.
gnomAD v4.1: 4 of 1,613,572 alleles (0.00025%); highest among the groups gnomAD compares: South Asian, 0.0022%; no homozygotes.

Submission:

Labcorp Genetics (formerly Invitae), Labcorp
Classification: Uncertain significance. Last evaluated: 2021-12-24. Review status: criteria provided, single submitter. Criteria: Invitae Variant Classification Sherloc (09022015). Collection method: clinical testing. Allele origin: germline.
Comment: This variant has not been reported in the literature in individuals affected with ADGRV1-related conditions. Algorithms developed to predict the effect of missense changes on protein structure and function (SIFT, PolyPhen-2, Align-GVGD) all suggest that this variant is likely to be tolerated. In summary, the available evidence is currently insufficient to determine the role of this variant in disease. Therefore, it has been classified as a Variant of Uncertain Significance. This variant is not present in population databases (gnomAD no frequency). This sequence change replaces aspartic acid, which is acidic and polar, with valine, which is neutral and non-polar, at codon 5782 of the ADGRV1 protein (p.Asp5782Val).